The following is an entry in ClinVar:

NM_000256.3(MYBPC3):c.1919C>T (p.Pro640Leu)

Gene: MYBPC3 (myosin binding protein C3; minus strand). Cytogenetic location: 11p11.2.
Variant type: single nucleotide variant.
Coding change: c.1919C>T on transcript NM_000256.3 (MANE Select); coding-DNA position 1919, C replaced by T.
Protein change: p.Pro640Leu; replaces proline 640 with leucine.
Molecular consequence: missense variant.
Genome position (GRCh38, 1-based): chr11:47,341,011, G>A on the plus strand (C>T on the coding strand, the complement: MYBPC3 is on the minus strand). VCF-style: chr11-47341011-G-A. GRCh37 (hg19) VCF-style: chr11-47362562-G-A.
Other names: c.1919C>T, p.Pro640Leu (LRG_386t1); short protein forms P640L.
Identifiers: ClinVar variation 626765 (VCV000626765.4), dbSNP rs755244836, ClinGen allele CA047589.

ClinVar aggregate classification (germline): Uncertain significance. Review status: criteria provided, multiple submitters, no conflicts (2 of 4 stars). 2 submissions from 2 submitters: Uncertain significance (2). Last evaluated 2024-05-14.

Conditions:
Cardiomyopathy (CMYO). Also called: Cardiomyopathies. Identifiers: Orphanet 167848, MedGen C0878544, MONDO:0004994, HP:0001638. Inheritance: Various modes of inheritance.
Hypertrophic cardiomyopathy. Also called: HYPERTROPHIC MYOCARDIOPATHY. Identifiers: Orphanet 217569, MedGen C0007194, MeSH D002312, MONDO:0005045, HP:0001639.

Allele frequency attached by ClinVar (database versions not stated): gnomAD exomes below 0.00001; ExAC 0.00005.
gnomAD v4.1: 2 of 1,568,616 alleles (0.00013%); highest among the groups gnomAD compares: Non-Finnish European, 0.00017%; no homozygotes.

Submissions (2):

All of Us Research Program, National Institutes of Health
Classification: Uncertain significance for Hypertrophic cardiomyopathy. Last evaluated: 2024-05-14. Review status: criteria provided, single submitter. Criteria: ACMG Guidelines, 2015. Collection method: clinical testing. Allele origin: germline. Inheritance: Autosomal dominant inheritance. Observed: 1 variant allele, 1 heterozygote.
Comment: This missense variant replaces proline with leucine at codon 640 of the MYBPC3 protein. Computational prediction is inconclusive regarding the impact of this variant on protein structure and function (internally defined REVEL score threshold 0.5 < inconclusive < 0.7, PMID: 27666373). To our knowledge, functional studies have not been reported for this variant. This variant has not been reported in individuals affected with MYBPC3-related disorders in the literature. This variant has not been identified in the general population by the Genome Aggregation Database (gnomAD). The available evidence is insufficient to determine the role of this variant in disease conclusively. Therefore, this variant is classified as a Variant of Uncertain Significance.

This study involves interpretation of variants in research participants for the purpose of population health screening. Participant phenotype was not available at the time of variant classification. Additional details can be found in publication PMID: 35346344, PMCID: PMC8962531

CHEO Genetics Diagnostic Laboratory, Children's Hospital of Eastern Ontario
Classification: Uncertain significance for Cardiomyopathy. Last evaluated: 2019-09-16. Review status: criteria provided, single submitter. Criteria: ACMG Guidelines, 2015. Collection method: clinical testing. Allele origin: germline. Study: Canadian Open Genetics Repository.